The following is an entry in ClinVar:

NM_001197104.2(KMT2A):c.8955T>A (p.Asp2985Glu)

Gene: KMT2A (lysine methyltransferase 2A; plus strand). Cytogenetic location: 11q23.3.
Variant type: single nucleotide variant.
Coding change: c.8955T>A on transcript NM_001197104.2 (MANE Select); coding-DNA position 8955, T replaced by A.
Protein change: p.Asp2985Glu; replaces aspartic acid 2985 with glutamic acid.
Molecular consequence: missense variant.
Genome position (GRCh38, 1-based): chr11:118,504,847, T>A. VCF-style: chr11-118504847-T-A. GRCh37 (hg19) VCF-style: chr11-118375562-T-A.
Other names: c.9045T>A, p.Asp3015Glu (NM_001412597.1); c.8946T>A, p.Asp2982Glu (NM_005933.4); short protein forms D2982E, D2985E, D3015E.
Identifiers: ClinVar variation 4800568 (VCV004800568.1).

ClinVar aggregate classification (germline): Uncertain significance (1 of 4 stars; one submission).

gnomAD v4.1: 2 of 1,614,018 alleles (0.00012%); highest among the groups gnomAD compares: Non-Finnish European, 0.00017%; no homozygotes.

Submission:

Labcorp Genetics (formerly Invitae), Labcorp
Classification: Uncertain significance. Last evaluated: 2025-04-13. Review status: criteria provided, single submitter. Criteria: Invitae Variant Classification Sherloc (09022015). Collection method: clinical testing. Allele origin: germline.
Comment: This sequence change replaces aspartic acid, which is acidic and polar, with glutamic acid, which is acidic and polar, at codon 2985 of the KMT2A protein (p.Asp2985Glu). This variant is not present in population databases (gnomAD no frequency). This variant has not been reported in the literature in individuals affected with KMT2A-related conditions. Invitae Evidence Modeling of protein sequence and biophysical properties (such as structural, functional, and spatial information, amino acid conservation, physicochemical variation, residue mobility, and thermodynamic stability) indicates that this missense variant is not expected to disrupt KMT2A protein function with a negative predictive value of 95%. In summary, the available evidence is currently insufficient to determine the role of this variant in disease. Therefore, it has been classified as a Variant of Uncertain Significance.